The following is an entry in ClinVar:

ClinVar aggregate classification (germline): Uncertain significance. Review status: criteria provided, multiple submitters, no conflicts (2 of 4 stars). 5 submissions from 5 submitters: Uncertain significance (4). 1 of the submissions does not count toward it. Last evaluated 2023-04-05.

Conditions:
PIEZO1-related disorder. Also called: PIEZO1-related condition; PIEZO1-Related Disorders.
Inborn genetic diseases. Identifiers: MedGen C0950123, MeSH D030342.

Allele frequency attached by ClinVar (database versions not stated): gnomAD 0.00011; TOPMed 0.00012; 1000 Genomes Project 30x 0.00016; 1000 Genomes Project 0.00020; ESP Exome Variant Server 0.00022; gnomAD exomes 0.00023; ExAC 0.00031.

Submissions (5):

Ambry Genetics
Classification: Uncertain significance for Inborn genetic diseases. Last evaluated: 2023-04-05. Review status: criteria provided, single submitter. Criteria: Ambry Variant Classification Scheme 2023. Collection method: clinical testing. Allele origin: germline.

Revvity Omics, Revvity
Classification: Uncertain significance. Last evaluated: 2022-09-20. Review status: criteria provided, single submitter. Criteria: ACMG Guidelines, 2015. Collection method: clinical testing. Allele origin: germline.

Mayo Clinic Laboratories, Mayo Clinic
Classification: Uncertain significance. Last evaluated: 2021-09-28. Review status: criteria provided, single submitter. Criteria: ACMG Guidelines, 2015. Collection method: clinical testing. Allele origin: germline.

ARUP Laboratories, Molecular Genetics and Genomics, ARUP Laboratories
Classification: Uncertain significance. Last evaluated: 2017-06-16. Review status: criteria provided, single submitter. Criteria: ARUP Molecular Germline Variant Investigation Process. Collection method: clinical testing. Allele origin: germline.

PreventionGenetics, part of Exact Sciences
Classification: Likely benign for PIEZO1-related condition. Last evaluated: 2021-07-08. Review status: no assertion criteria provided. Collection method: clinical testing. Allele origin: germline. Not counted in ClinVar's aggregate classification.
Comment: This variant is classified as likely benign based on ACMG/AMP sequence variant interpretation guidelines (Richards et al. 2015 PMID: 25741868, with internal and published modifications).

NM_001142864.4(PIEZO1):c.1370G>A (p.Arg457His)

Genes: HSALR1 (HSP90AB1 associated lncRNA 1; plus strand), PIEZO1 (piezo type mechanosensitive ion channel component 1 (Er blood group); minus strand). Cytogenetic location: 16q24.3.
Variant type: single nucleotide variant.
Coding change: c.1370G>A on transcript NM_001142864.4 (MANE Select); coding-DNA position 1370, G replaced by A.
Protein change: p.Arg457His; replaces arginine 457 with histidine.
Molecular consequence: missense variant.
Genome position (GRCh38, 1-based): chr16:88,736,335, C>T on the plus strand (G>A on the coding strand, the complement: PIEZO1 is on the minus strand). VCF-style: chr16-88736335-C-T. GRCh37 (hg19) VCF-style: chr16-88802743-C-T.
Other names: c.1370G>A (NM_001142864.3); c.1370G>A, p.Arg457His (LRG_1137t1); short protein forms R457H.
Identifiers: ClinVar variation 618274 (VCV000618274.19), dbSNP rs371267171, ClinGen allele CA8233012.